The following is an entry in ClinVar:

ClinVar aggregate classification (germline): Uncertain significance. Review status: criteria provided, multiple submitters, no conflicts (2 of 4 stars). 3 submissions from 3 submitters: Uncertain significance (3). Last evaluated 2026-04-23.

Conditions:
B3GAT3-related disorder. Also called: B3GAT3-related condition.
Inborn genetic diseases. Identifiers: MedGen C0950123, MeSH D030342.
Larsen-like syndrome, B3GAT3 type. Also called: Multiple joint dislocations, short stature, craniofacial dysmorphism, with or without congenital heart defects; MULTIPLE JOINT DISLOCATIONS, SHORT STATURE, AND CRANIOFACIAL DYSMORPHISM WITH OR WITHOUT CONGENITAL HEART DEFECTS. Identifiers: Orphanet 284139, MedGen CN034159, MONDO:0009511, OMIM 245600.

Submissions (3):

PreventionGenetics, part of Exact Sciences
Classification: Uncertain significance for B3GAT3-related condition. Last evaluated: 2026-04-23. Review status: criteria provided, single submitter. Criteria: ACMG Guidelines, 2015. Collection method: clinical testing. Allele origin: germline.
Comment: The B3GAT3 c.743C>T variant is predicted to result in the amino acid substitution p.Pro248Leu. To our knowledge, this variant has not been reported in the literature or in a large population database (gnomAD), indicating this variant is rare. At this time, the clinical significance of this variant is uncertain due to the absence of conclusive functional and genetic evidence.

Ambry Genetics
Classification: Uncertain significance for Inborn genetic diseases. Last evaluated: 2025-03-28. Review status: criteria provided, single submitter. Criteria: Ambry Variant Classification Scheme 2023. Collection method: clinical testing. Allele origin: germline.

Labcorp Genetics (formerly Invitae), Labcorp
Classification: Uncertain significance for Larsen-like syndrome, B3GAT3 type. Last evaluated: 2022-06-22. Review status: criteria provided, single submitter. Criteria: Invitae Variant Classification Sherloc (09022015). Collection method: clinical testing. Allele origin: germline.
Comment: In summary, the available evidence is currently insufficient to determine the role of this variant in disease. Therefore, it has been classified as a Variant of Uncertain Significance. Algorithms developed to predict the effect of missense changes on protein structure and function are either unavailable or do not agree on the potential impact of this missense change (SIFT: "Deleterious"; PolyPhen-2: "Possibly Damaging"; Align-GVGD: "Class C0"). This variant has not been reported in the literature in individuals affected with B3GAT3-related conditions. This variant is not present in population databases (gnomAD no frequency). This sequence change replaces proline, which is neutral and non-polar, with leucine, which is neutral and non-polar, at codon 248 of the B3GAT3 protein (p.Pro248Leu).

NM_012200.4(B3GAT3):c.743C>T (p.Pro248Leu)

Gene: B3GAT3 (beta-1,3-glucuronyltransferase 3; minus strand). Cytogenetic location: 11q12.3.
Variant type: single nucleotide variant.
Coding change: c.743C>T on transcript NM_012200.4 (MANE Select); coding-DNA position 743, C replaced by T.
Protein change: p.Pro248Leu; replaces proline 248 with leucine.
Molecular consequence: missense variant. On other transcripts: non-coding transcript variant (1).
Genome position (GRCh38, 1-based): chr11:62,616,672, G>A on the plus strand (C>T on the coding strand, the complement: B3GAT3 is on the minus strand). VCF-style: chr11-62616672-G-A. GRCh37 (hg19) VCF-style: chr11-62384144-G-A.
Other names: c.743C>T (NM_012200.3); c.722C>T, p.Pro241Leu (NM_001288721.2); c.743C>T, p.Pro248Leu (NM_001288722.2, NM_001288723.2); short protein forms P248L, P241L.
Identifiers: ClinVar variation 2171571 (VCV002171571.4), dbSNP rs751979169, ClinGen allele CA380975786.